The following is an entry in ClinVar:

ClinVar aggregate classification (germline): Uncertain significance (0 of 4 stars; one submission).

Conditions:
ABL1-related disorder. Also called: ABL1-related condition.

gnomAD v4.1: 4 of 1,614,168 alleles (0.00025%); highest among the groups gnomAD compares: East Asian, 0.0089%; no homozygotes.

Submission:

PreventionGenetics, part of Exact Sciences
Classification: Uncertain significance for ABL1-related condition. Last evaluated: 2024-06-28. Review status: no assertion criteria provided. Collection method: clinical testing. Allele origin: germline.
Comment: The ABL1 c.229C>T variant is predicted to result in the amino acid substitution p.Pro77Ser. To our knowledge, this variant has not been reported in the literature. This variant is reported in 0.016% of alleles in individuals of East Asian descent in gnomAD. At this time, the clinical significance of this variant is uncertain due to the absence of conclusive functional and genetic evidence.

NM_005157.6(ABL1):c.172C>T (p.Pro58Ser)

Gene: ABL1 (ABL proto-oncogene 1, non-receptor tyrosine kinase; plus strand). Cytogenetic location: 9q34.12.
Variant type: single nucleotide variant.
Coding change: c.172C>T on transcript NM_005157.6 (MANE Select); coding-DNA position 172, C replaced by T.
Protein change: p.Pro58Ser; replaces proline 58 with serine.
Molecular consequence: missense variant.
Genome position (GRCh38, 1-based): chr9:130,854,156, C>T. VCF-style: chr9-130854156-C-T. GRCh37 (hg19) VCF-style: chr9-133729543-C-T.
Other names: c.229C>T, p.Pro77Ser (NM_007313.3); short protein forms P58S, P77S.
Identifiers: ClinVar variation 3344188 (VCV003344188.1).